The following is an entry in ClinVar:

NC_000003.11:g.(?_121526171)_(121527876_?)del

Gene: IQCB1 (IQ motif containing B1; minus strand). Cytogenetic location: 3q13.33.
Variant type: Deletion.
Identifiers: ClinVar variation 1460277 (VCV001460277.4).

ClinVar aggregate classification (germline): Pathogenic (1 of 4 stars; one submission).

Conditions:
Nephronophthisis. Also called: Juvenile Nephronophthisis. Identifiers: Orphanet 655, MedGen C0687120, MONDO:0019005, HP:0000090.

Submission:

Labcorp Genetics (formerly Invitae), Labcorp
Classification: Pathogenic for Nephronophthisis. Last evaluated: 2023-08-04. Review status: criteria provided, single submitter. Criteria: Invitae Variant Classification Sherloc (09022015). Collection method: clinical testing. Allele origin: germline.
Comment: For these reasons, this variant has been classified as Pathogenic. This variant has not been reported in the literature in individuals affected with IQCB1-related conditions. This variant is a gross deletion of the genomic region encompassing exon(s) 6-7 of the IQCB1 gene. This deletion is out-of-frame, and is expected to create a premature termination codon and result in an absent or disrupted protein product. Loss-of-function variants in IQCB1 are known to be pathogenic (PMID: 15723066, 21901789, 23559409, 28041643).

Literature cited by the submitters: PubMed 15723066; PubMed 21901789; PubMed 23559409; PubMed 28041643.